The following is an entry in ClinVar:

ClinVar aggregate classification (germline): Likely benign. Review status: criteria provided, single submitter (1 of 4 stars). 2 submissions from 2 submitters: Likely benign (1). 1 of the submissions does not count toward it. Last evaluated 2026-05-01.

Conditions:
PRR12-related disorder. Also called: PRR12-related condition.

Allele frequency attached by ClinVar (database versions not stated): gnomAD 0.00005; TOPMed 0.00007; ExAC 0.00009; gnomAD exomes 0.00010; ESP Exome Variant Server 0.00016.
gnomAD v4.1: 150 of 1,599,982 alleles (0.0094%); highest among the groups gnomAD compares: Non-Finnish European, 0.011%; no homozygotes.

Submissions (2):

CeGaT Center for Human Genetics Tuebingen
Classification: Likely benign. Last evaluated: 2026-05-01. Review status: criteria provided, single submitter. Criteria: CeGaT Center For Human Genetics Tuebingen Variant Classification Criteria Version 2. Collection method: clinical testing. Allele origin: germline. Affected: yes. Observed: 1 variant allele.
Comment: PRR12: BP4, BP7

PreventionGenetics, part of Exact Sciences
Classification: Likely benign for PRR12-related condition. Last evaluated: 2019-02-26. Review status: no assertion criteria provided. Collection method: clinical testing. Allele origin: germline. Not counted in ClinVar's aggregate classification.
Comment: This variant is classified as likely benign based on ACMG/AMP sequence variant interpretation guidelines (Richards et al. 2015 PMID: 25741868, with internal and published modifications).

NM_020719.3(PRR12):c.3903G>A (p.Ala1301=)

Gene: PRR12 (proline rich 12; plus strand). Cytogenetic location: 19q13.33.
Variant type: single nucleotide variant.
Coding change: c.3903G>A on transcript NM_020719.3 (MANE Select); coding-DNA position 3903, G replaced by A.
Protein change: p.Ala1301=; no amino-acid change (alanine 1301 retained).
Molecular consequence: synonymous variant.
Genome position (GRCh38, 1-based): chr19:49,599,496, G>A. VCF-style: chr19-49599496-G-A. GRCh37 (hg19) VCF-style: chr19-50102753-G-A.
Identifiers: ClinVar variation 3047070 (VCV003047070.4), dbSNP rs371101005, ClinGen allele CA9578374.
Genomic context (GRCh38, chr19:49,599,496, plus strand): 5'-CATGGCCTCCTTCTTGGACTTCCTCAAGTCAGGCAAGCGCCACCCACCACTCTACCAGGC[G>A]GGCCTGACGCCTCCGCTCAGCCCTCCCAAGAGTGTGCCACCCTCTGTGCCAGCCCGAGGC-3'
Protein context (NP_065770.1, residues 1291-1311): SGKRHPPLYQ[Ala1301=]GLTPPLSPPK